The following is an entry in ClinVar:

NM_031372.4(HNRNPDL):c.169G>T (p.Ala57Ser)

Gene: HNRNPDL (heterogeneous nuclear ribonucleoprotein D like; minus strand). Cytogenetic location: 4q21.22.
Variant type: single nucleotide variant.
Coding change: c.169G>T on transcript NM_031372.4 (MANE Select); coding-DNA position 169, G replaced by T.
Protein change: p.Ala57Ser; replaces alanine 57 with serine.
Molecular consequence: missense variant. On other transcripts: non-coding transcript variant (1).
Genome position (GRCh38, 1-based): chr4:82,429,522, C>A on the plus strand (G>T on the coding strand, the complement: HNRNPDL is on the minus strand). VCF-style: chr4-82429522-C-A. GRCh37 (hg19) VCF-style: chr4-83350675-C-A.
Other names: c.169G>T, p.Ala57Ser (NM_001207000.1); c.169G>T (NM_031372.3); short protein forms A57S.
Identifiers: ClinVar variation 2755415 (VCV002755415.4), dbSNP rs775253636, ClinGen allele CA2985128.

ClinVar aggregate classification (germline): Uncertain significance. Review status: criteria provided, multiple submitters, no conflicts (2 of 4 stars). 2 submissions from 2 submitters: Uncertain significance (2). Last evaluated 2025-08-23.

Conditions:
Autosomal dominant limb-girdle muscular dystrophy type 1G (LGMDD3). Also called: Limb-girdle muscular dystrophy, type 1G; MUSCULAR DYSTROPHY, LIMB-GIRDLE, AUTOSOMAL DOMINANT 3. Identifiers: Orphanet 55596, MedGen C1836765, MONDO:0012193, OMIM 609115.

Allele frequency attached by ClinVar (database versions not stated): ExAC 0.00011.
gnomAD v4.1: 8 of 1,493,010 alleles (0.00054%); highest among the groups gnomAD compares: African/African-American, 0.0015%; no homozygotes.

Submissions (2):

Ambry Genetics
Classification: Uncertain significance. Last evaluated: 2025-08-23. Review status: criteria provided, single submitter. Criteria: Ambry Variant Classification Scheme 2023. Collection method: clinical testing. Allele origin: germline.

Labcorp Genetics (formerly Invitae), Labcorp
Classification: Uncertain significance for Autosomal dominant limb-girdle muscular dystrophy type 1G. Last evaluated: 2024-06-25. Review status: criteria provided, single submitter. Criteria: Invitae Variant Classification Sherloc (09022015). Collection method: clinical testing. Allele origin: germline.
Comment: This sequence change replaces alanine, which is neutral and non-polar, with serine, which is neutral and polar, at codon 57 of the HNRNPDL protein (p.Ala57Ser). The frequency data for this variant in the population databases is considered unreliable, as metrics indicate poor data quality at this position in the gnomAD database. This variant has not been reported in the literature in individuals affected with HNRNPDL-related conditions. Algorithms developed to predict the effect of missense changes on protein structure and function output the following: SIFT: "Not Available"; PolyPhen-2: "Benign"; Align-GVGD: "Not Available". The serine amino acid residue is found in multiple mammalian species, which suggests that this missense change does not adversely affect protein function. In summary, the available evidence is currently insufficient to determine the role of this variant in disease. Therefore, it has been classified as a Variant of Uncertain Significance.